The following is an entry in ClinVar:

NM_001042492.3(NF1):c.4197G>C (p.Gln1399His)

Gene: NF1 (neurofibromin 1; plus strand). Cytogenetic location: 17q11.2.
Variant type: single nucleotide variant.
Coding change: c.4197G>C on transcript NM_001042492.3 (MANE Select); coding-DNA position 4197, G replaced by C.
Protein change: p.Gln1399His; replaces glutamine 1399 with histidine.
Molecular consequence: missense variant.
Genome position (GRCh38, 1-based): chr17:31,258,367, G>C. VCF-style: chr17-31258367-G-C. GRCh37 (hg19) VCF-style: chr17-29585385-G-C.
Other names: c.4134G>C, p.Gln1378His (NM_000267.4); short protein forms Q1378H, Q1399H.
Identifiers: ClinVar variation 1011694 (VCV001011694.7), dbSNP rs1355988609, ClinGen allele CA398997597.
Genomic context (GRCh38, chr17:31,258,367, plus strand): 5'-CAAACCTTATACTCAATTCTCAACTCCTTGTTTTTAGGTGGTTAGCCAGCGTTTCCCTCA[G>C]AACAGCATCGGTGCAGTAGGAAGTGCCATGTTCCTCAGATTTATCAATCCTGCCATTGTC-3'
Protein context (NP_001035957.1, residues 1389-1409): KKSVVSQRFP[Gln1399His]NSIGAVGSAM

ClinVar aggregate classification (germline): Uncertain significance. Review status: criteria provided, multiple submitters, no conflicts (2 of 4 stars). 2 submissions from 2 submitters: Uncertain significance (2). Last evaluated 2022-07-11.

Conditions:
Hereditary cancer-predisposing syndrome. Also called: Tumor predisposition; Hereditary Cancer Syndrome; Neoplastic Syndromes, Hereditary; Hereditary neoplastic syndrome. Identifiers: Orphanet 140162, MedGen C0027672, MeSH D009386, MONDO:0015356.
Cardiovascular phenotype. Identifiers: MedGen CN230736.
Neurofibromatosis, type 1 (NF1). Also called: VON RECKLINGHAUSEN DISEASE; Neurofibromatosis, type I; NEUROFIBROMATOSIS, TYPE I, SOMATIC; Peripheral type neurofibromatosis. Identifiers: Orphanet 636, MedGen C0027831, MONDO:0018975, OMIM 162200. Disease mechanism: loss of function.

Submissions (2):

Ambry Genetics
Classification: Uncertain significance for Cardiovascular phenotype; Hereditary cancer-predisposing syndrome. Last evaluated: 2022-07-11. Review status: criteria provided, single submitter. Criteria: Ambry Variant Classification Scheme 2023. Collection method: clinical testing. Allele origin: germline.
Comment: The p.Q1378H variant (also known as c.4134G>C), located in coding exon 31 of the NF1 gene, results from a G to C substitution at nucleotide position 4134. The glutamine at codon 1378 is replaced by histidine, an amino acid with highly similar properties. This amino acid position is conserved. In addition, this alteration is predicted to be deleterious by in silico analysis. Since supporting evidence is limited at this time, the clinical significance of this alteration remains unclear.

Labcorp Genetics (formerly Invitae), Labcorp
Classification: Uncertain significance for Neurofibromatosis, type 1. Last evaluated: 2020-01-29. Review status: criteria provided, single submitter. Criteria: Invitae Variant Classification Sherloc (09022015). Collection method: clinical testing. Allele origin: germline.
Comment: This variant has not been reported in the literature in individuals with NF1-related conditions. This sequence change replaces glutamine with histidine at codon 1378 of the NF1 protein (p.Gln1378His). The glutamine residue is moderately conserved and there is a small physicochemical difference between glutamine and histidine. This variant is not present in population databases (ExAC no frequency). Algorithms developed to predict the effect of missense changes on protein structure and function are either unavailable or do not agree on the potential impact of this missense change (SIFT: "Deleterious"; PolyPhen-2: "Possibly Damaging"; Align-GVGD: "Class C0"). In summary, the available evidence is currently insufficient to determine the role of this variant in disease. Therefore, it has been classified as a Variant of Uncertain Significance.